The following is an entry in ClinVar:

NM_001792.5(CDH2):c.2467C>T (p.Arg823Ter)

Genes: CDH2 (cadherin 2; minus strand), CDH2-AS1 (CDH2 antisense RNA 1; plus strand). Cytogenetic location: 18q12.1.
Variant type: single nucleotide variant.
Coding change: c.2467C>T on transcript NM_001792.5 (MANE Select); coding-DNA position 2467, C replaced by T.
Protein change: p.Arg823Ter; replaces arginine 823 with a stop codon.
Molecular consequence: nonsense.
Genome position (GRCh38, 1-based): chr18:27,963,404, G>A on the plus strand (C>T on the coding strand, the complement: CDH2 is on the minus strand). VCF-style: chr18-27963404-G-A. GRCh37 (hg19) VCF-style: chr18-25543368-G-A.
Other names: c.2374C>T, p.Arg792Ter (NM_001308176.2); short protein forms R792*, R823*.
Identifiers: ClinVar variation 1383803 (VCV001383803.6), dbSNP rs2143888013, ClinGen allele CA402103887.

ClinVar aggregate classification (germline): Uncertain significance (1 of 4 stars; one submission).

Submission:

Labcorp Genetics (formerly Invitae), Labcorp
Classification: Uncertain significance. Last evaluated: 2021-09-29. Review status: criteria provided, single submitter. Criteria: Invitae Variant Classification Sherloc (09022015). Collection method: clinical testing. Allele origin: germline.
Comment: This sequence change creates a premature translational stop signal (p.Arg823*) in the CDH2 gene. It is expected to result in an absent or disrupted protein product. However, the current clinical and genetic evidence is not sufficient to establish whether loss-of-function variants in CDH2 cause disease. In summary, the available evidence is currently insufficient to determine the role of this variant in disease. Therefore, it has been classified as a Variant of Uncertain Significance. This variant has not been reported in the literature in individuals affected with CDH2-related conditions. This variant is not present in population databases (ExAC no frequency).